The following is an entry in ClinVar:

ClinVar aggregate classification (germline): Uncertain significance. Review status: criteria provided, multiple submitters, no conflicts (2 of 4 stars). 3 submissions from 3 submitters: Uncertain significance (3). Last evaluated 2024-07-23.

Conditions:
Peroxisome biogenesis disorder 4B (PBD4B). Also called: SPINOCEREBELLAR ATAXIA WITH BLINDNESS AND DEAFNESS 1. Identifiers: Orphanet 44, Orphanet 95433, MedGen C3553937, MONDO:0013931, OMIM 614863.
Peroxisome biogenesis disorder. Identifiers: Orphanet 79189, MedGen C1832200, MONDO:0019234. Disease mechanism: loss of function.

Allele frequency attached by ClinVar (database versions not stated): gnomAD exomes below 0.00001.
gnomAD v4.1: 2 of 1,614,178 alleles (0.00012%); highest among the groups gnomAD compares: Non-Finnish European, 0.00017%; no homozygotes.

Submissions (3):

Labcorp Genetics (formerly Invitae), Labcorp
Classification: Uncertain significance for Peroxisome biogenesis disorder. Last evaluated: 2024-07-23. Review status: criteria provided, single submitter. Criteria: Invitae Variant Classification Sherloc (09022015). Collection method: clinical testing. Allele origin: germline.
Comment: This sequence change replaces glycine, which is neutral and non-polar, with arginine, which is basic and polar, at codon 709 of the PEX6 protein (p.Gly709Arg). This variant is present in population databases (no rsID available, gnomAD 0.0009%). This variant has not been reported in the literature in individuals affected with PEX6-related conditions. ClinVar contains an entry for this variant (Variation ID: 1435820). Advanced modeling of protein sequence and biophysical properties (such as structural, functional, and spatial information, amino acid conservation, physicochemical variation, residue mobility, and thermodynamic stability) performed at Invitae indicates that this missense variant is expected to disrupt PEX6 protein function with a positive predictive value of 95%. In summary, the available evidence is currently insufficient to determine the role of this variant in disease. Therefore, it has been classified as a Variant of Uncertain Significance.

Revvity Omics, Revvity
Classification: Uncertain significance. Last evaluated: 2019-03-08. Review status: criteria provided, single submitter. Criteria: ACMG Guidelines, 2015. Collection method: clinical testing. Allele origin: germline.

Neuberg Centre For Genomic Medicine, NCGM
Classification: Uncertain significance for Peroxisome biogenesis disorder 4B. Review status: criteria provided, single submitter. Criteria: ACMG Guidelines, 2015. Collection method: clinical testing. Allele origin: germline. Inheritance: Autosomal recessive inheritance. Affected: yes.
Comment: The missense variant in c.2125G>A (p.Gly709Arg) in PEX6 gene has not been reported previously as a pathogenic variant nor as a benign variant, to our knowledge. The p.Gly709Arg variant is novel (not in any individuals) in gnomAD Exomes and 1000 Genomes. This variant has not been reported to the ClinVar database. The amino acid Gly at position 709 is changed to a Arg changing protein sequence and it might alter its composition and physico-chemical properties. The amino acid change p.Gly709Arg in PEX6 is predicted as conserved by GERP++ and PhyloP across 100 vertebrates. For these reasons, this variant has been classified as Uncertain Significance (VUS).

NM_000287.4(PEX6):c.2125G>A (p.Gly709Arg)

Gene: PEX6 (peroxisomal biogenesis factor 6; minus strand). Cytogenetic location: 6p21.1.
Variant type: single nucleotide variant.
Coding change: c.2125G>A on transcript NM_000287.4 (MANE Select); coding-DNA position 2125, G replaced by A.
Protein change: p.Gly709Arg; replaces glycine 709 with arginine.
Molecular consequence: missense variant.
Genome position (GRCh38, 1-based): chr6:42,966,417, C>T on the plus strand (G>A on the coding strand, the complement: PEX6 is on the minus strand). VCF-style: chr6-42966417-C-T. GRCh37 (hg19) VCF-style: chr6-42934155-C-T.
Other names: c.1861G>A, p.Gly621Arg (NM_001316313.2); c.2125G>A (NM_000287.3); short protein forms G621R, G709R.
Identifiers: ClinVar variation 1435820 (VCV001435820.9), dbSNP rs1254717257, ClinGen allele CA364152455.
Genomic context (GRCh38, chr6:42,966,417, plus strand): 5'-CAGGGTGCTCCAGGGGGAGCTGAATGGTCTCCAGGATCTCCTTCTTCACCTCCTGCAGCC[C>T]ACCCACATCATGCCAGGACACTGAGGGGATCTAGGAGATGGAAAGTGCGTGGTTGGGATA-3'
Protein context (NP_000278.3, residues 699-719): IPSVSWHDVG[Gly709Arg]LQEVKKEILE